The following is an entry in ClinVar:

ClinVar aggregate classification (germline): Uncertain significance (1 of 4 stars; one submission).

Submission:

Labcorp Genetics (formerly Invitae), Labcorp
Classification: Uncertain significance. Last evaluated: 2019-10-02. Review status: criteria provided, single submitter. Criteria: Invitae Variant Classification Sherloc (09022015). Collection method: clinical testing. Allele origin: germline.
Comment: This sequence change replaces serine with phenylalanine at codon 12 of the AGBL5 protein (p.Ser12Phe). The serine residue is highly conserved and there is a large physicochemical difference between serine and phenylalanine. In summary, the available evidence is currently insufficient to determine the role of this variant in disease. Therefore, it has been classified as a Variant of Uncertain Significance. Algorithms developed to predict the effect of missense changes on protein structure and function are either unavailable or do not agree on the potential impact of this missense change (SIFT: "Tolerated"; PolyPhen-2: "Probably Damaging"; Align-GVGD: "Class C0"). This variant has not been reported in the literature in individuals with AGBL5-related conditions. This variant is not present in population databases (ExAC no frequency).

NM_021831.6(AGBL5):c.35C>T (p.Ser12Phe)

Gene: AGBL5 (AGBL carboxypeptidase 5; plus strand). Cytogenetic location: 2p23.3.
Variant type: single nucleotide variant.
Coding change: c.35C>T on transcript NM_021831.6 (MANE Select); coding-DNA position 35, C replaced by T.
Protein change: p.Ser12Phe; replaces serine 12 with phenylalanine.
Molecular consequence: missense variant. On other transcripts: non-coding transcript variant (2).
Genome position (GRCh38, 1-based): chr2:27,052,993, C>T. VCF-style: chr2-27052993-C-T. GRCh37 (hg19) VCF-style: chr2-27275861-C-T.
Other names: c.35C>T, p.Ser12Phe (NM_001035507.3); short protein forms S12F.
Identifiers: ClinVar variation 965490 (VCV000965490.9), dbSNP rs1267163681, ClinGen allele CA346166921.